The following is an entry in ClinVar:

ClinVar aggregate classification (germline): Uncertain significance (1 of 4 stars; one submission).

Conditions:
Autosomal recessive congenital ichthyosis 5 (ARCI5). Also called: ICHTHYOSIS CONGENITA III; Ichthyosis, nonlamellar and nonerythrodermic, congenital, autosomal recessive. Identifiers: Orphanet 313, MedGen C1858133, MONDO:0011485, OMIM 604777.

gnomAD v4.1: 17 of 1,614,092 alleles (0.0011%); highest among the groups gnomAD compares: South Asian, 0.018%; no homozygotes.

Submission:

Neuberg Centre For Genomic Medicine, NCGM
Classification: Uncertain significance for Autosomal recessive congenital ichthyosis 5. Last evaluated: 2023-06-22. Review status: criteria provided, single submitter. Criteria: ACMG Guidelines, 2015. Collection method: clinical testing. Allele origin: germline. Inheritance: Autosomal recessive inheritance. Affected: yes.
Comment: The observed splice region/intron variant c.671+5G>A in CYP4F22 gene has not been reported previously as a pathogenic variant nor as a benign variant, to our knowledge. The c.671+5G>A variant is reported with 0.001% allele frequency in gnomAD Exomes. The variant is predicted to be damaging by SpliceAI Prediction. For these reasons, this variant has been classified as variant of Uncertain Significance.

NM_173483.4(CYP4F22):c.671+5G>A

Gene: CYP4F22 (cytochrome P450 family 4 subfamily F member 22; plus strand). Cytogenetic location: 19p13.12.
Variant type: single nucleotide variant.
Coding change: c.671+5G>A on transcript NM_173483.4 (MANE Select); 5 bases into the intron after coding-DNA position 671, G replaced by A.
Molecular consequence: intron variant.
Genome position (GRCh38, 1-based): chr19:15,537,998, G>A. VCF-style: chr19-15537998-G-A. GRCh37 (hg19) VCF-style: chr19-15648809-G-A.
Identifiers: ClinVar variation 3391190 (VCV003391190.1).
Genomic context (GRCh38, chr19:15,537,998, plus strand): 5'-ATGACCCTGGACAGTCTTCAGAAATGTGTCTTCAGCTACAACAGCAACTGCCAAGAGTGA[G>A]TGTGACCCTTCTTGGGAAGATGGAGCCAGCTGCTCTAGGAGCAAGATGGTGGCAGGAGAA-3'